The following is an entry in ClinVar:

ClinVar aggregate classification (germline): Uncertain significance (1 of 4 stars; one submission).

Allele frequency attached by ClinVar (database versions not stated): gnomAD exomes below 0.00001.
gnomAD v4.1: 1 of 1,613,532 alleles (0.000062%); highest among the groups gnomAD compares: African/African-American, 0.0013%; no homozygotes.

Submission:

Labcorp Genetics (formerly Invitae), Labcorp
Classification: Uncertain significance. Last evaluated: 2022-04-19. Review status: criteria provided, single submitter. Criteria: Invitae Variant Classification Sherloc (09022015). Collection method: clinical testing. Allele origin: germline.
Comment: In summary, the available evidence is currently insufficient to determine the role of this variant in disease. Therefore, it has been classified as a Variant of Uncertain Significance. Algorithms developed to predict the effect of missense changes on protein structure and function (SIFT, PolyPhen-2, Align-GVGD) all suggest that this variant is likely to be tolerated. This variant has not been reported in the literature in individuals affected with DMXL2-related conditions. This variant is not present in population databases (gnomAD no frequency). This sequence change replaces proline, which is neutral and non-polar, with serine, which is neutral and polar, at codon 695 of the DMXL2 protein (p.Pro695Ser).

NM_001378457.1(DMXL2):c.2083C>T (p.Pro695Ser)

Gene: DMXL2 (Dmx like 2; minus strand). Cytogenetic location: 15q21.2.
Variant type: single nucleotide variant.
Coding change: c.2083C>T on transcript NM_001378457.1 (MANE Select); coding-DNA position 2083, C replaced by T.
Protein change: p.Pro695Ser; replaces proline 695 with serine.
Molecular consequence: missense variant. On other transcripts: non-coding transcript variant (2).
Genome position (GRCh38, 1-based): chr15:51,536,397, G>A on the plus strand (C>T on the coding strand, the complement: DMXL2 is on the minus strand). VCF-style: chr15-51536397-G-A. GRCh37 (hg19) VCF-style: chr15-51828594-G-A.
Other names: c.2083C>T, p.Pro695Ser (NM_001174116.3, NM_001174117.3, NM_001378458.1 and 6 more transcripts); c.1843C>T, p.Pro615Ser (NM_001378464.1); short protein forms P615S, P695S.
Identifiers: ClinVar variation 2062905 (VCV002062905.3), dbSNP rs2548605276, ClinGen allele CA392442960.